The following is an entry in ClinVar:

NM_000051.4(ATM):c.302T>C (p.Val101Ala)

Gene: ATM (ATM serine/threonine kinase; plus strand). Cytogenetic location: 11q22.3.
Variant type: single nucleotide variant.
Coding change: c.302T>C on transcript NM_000051.4 (MANE Select); coding-DNA position 302, T replaced by C.
Protein change: p.Val101Ala; replaces valine 101 with alanine.
Molecular consequence: missense variant.
Genome position (GRCh38, 1-based): chr11:108,229,294, T>C. VCF-style: chr11-108229294-T-C. GRCh37 (hg19) VCF-style: chr11-108100021-T-C.
Other names: c.302T>C, p.Val101Ala (NM_001351834.2, NM_001351835.2, NM_001351836.2); short protein forms V101A.
Identifiers: ClinVar variation 2453997 (VCV002453997.5), dbSNP rs2135037352, ClinGen allele CA382521741.

ClinVar aggregate classification (germline): Uncertain significance. Review status: criteria provided, multiple submitters, no conflicts (2 of 4 stars). 2 submissions from 2 submitters: Uncertain significance (2). Last evaluated 2023-11-29.

Conditions:
Ataxia-telangiectasia syndrome (AT). Also called: Ataxia-telangiectasia, complementation group D; AT, COMPLEMENTATION GROUP C; Cerebello-oculocutaneous telangiectasia; Immunodeficiency with ataxia telangiectasia; Ataxia-telangiectasia, complementation group E; Ataxia telangiectasia (A-T). Identifiers: Orphanet 100, MedGen C0004135, MONDO:0008840, OMIM 208900.
Hereditary cancer-predisposing syndrome. Also called: Hereditary neoplastic syndrome; Tumor predisposition; Neoplastic Syndromes, Hereditary; Hereditary Cancer Syndrome. Identifiers: Orphanet 140162, MedGen C0027672, MeSH D009386, MONDO:0015356.

Submissions (2):

Labcorp Genetics (formerly Invitae), Labcorp
Classification: Uncertain significance for Ataxia-telangiectasia syndrome. Last evaluated: 2023-11-29. Review status: criteria provided, single submitter. Criteria: Invitae Variant Classification Sherloc (09022015). Collection method: clinical testing. Allele origin: germline.
Comment: This sequence change replaces valine, which is neutral and non-polar, with alanine, which is neutral and non-polar, at codon 101 of the ATM protein (p.Val101Ala). This variant is not present in population databases (gnomAD no frequency). This variant has not been reported in the literature in individuals affected with ATM-related conditions. ClinVar contains an entry for this variant (Variation ID: 2453997). Advanced modeling of protein sequence and biophysical properties (such as structural, functional, and spatial information, amino acid conservation, physicochemical variation, residue mobility, and thermodynamic stability) performed at Invitae indicates that this missense variant is not expected to disrupt ATM protein function with a negative predictive value of 95%. In summary, the available evidence is currently insufficient to determine the role of this variant in disease. Therefore, it has been classified as a Variant of Uncertain Significance.

Ambry Genetics
Classification: Uncertain significance for Hereditary cancer-predisposing syndrome. Last evaluated: 2023-03-02. Review status: criteria provided, single submitter. Criteria: Ambry Variant Classification Scheme 2023. Collection method: clinical testing. Allele origin: germline.
Comment: The p.V101A variant (also known as c.302T>C), located in coding exon 3 of the ATM gene, results from a T to C substitution at nucleotide position 302. The valine at codon 101 is replaced by alanine, an amino acid with similar properties. This amino acid position is conserved. In addition, the in silico prediction for this alteration is inconclusive. Since supporting evidence is limited at this time, the clinical significance of this alteration remains unclear.